The following is an entry in ClinVar:

NM_005732.4(RAD50):c.2344G>C (p.Glu782Gln)

Gene: RAD50 (RAD50 double strand break repair protein; plus strand). Cytogenetic location: 5q31.1.
Variant type: single nucleotide variant.
Coding change: c.2344G>C on transcript NM_005732.4 (MANE Select); coding-DNA position 2344, G replaced by C.
Protein change: p.Glu782Gln; replaces glutamic acid 782 with glutamine.
Molecular consequence: missense variant.
Genome position (GRCh38, 1-based): chr5:132,603,436, G>C. VCF-style: chr5-132603436-G-C. GRCh37 (hg19) VCF-style: chr5-131939128-G-C.
Other names: short protein forms E782Q.
Identifiers: ClinVar variation 484671 (VCV000484671.19), dbSNP rs900666689, ClinGen allele CA360954814.

ClinVar aggregate classification (germline): Uncertain significance. Review status: criteria provided, multiple submitters, no conflicts (2 of 4 stars). 3 submissions from 3 submitters: Uncertain significance (3). Last evaluated 2024-06-05.

Conditions:
Hereditary cancer-predisposing syndrome. Also called: Neoplastic Syndromes, Hereditary; Tumor predisposition; Hereditary Cancer Syndrome; Hereditary neoplastic syndrome. Identifiers: Orphanet 140162, MedGen C0027672, MeSH D009386, MONDO:0015356.
Nijmegen breakage syndrome-like disorder (NBSLD). Also called: MICROCEPHALY AND SPONTANEOUS CHROMOSOME INSTABILITY WITHOUT IMMUNODEFICIENCY; NBS-LIKE DISORDER; RAD50 DEFICIENCY. Identifiers: Orphanet 240760, MedGen C2751318, MONDO:0013118, OMIM 613078.

gnomAD v4.1: 33 of 1,614,002 alleles (0.002%); highest among the groups gnomAD compares: Non-Finnish European, 0.0028%; no homozygotes.

Submissions (3):

Ambry Genetics
Classification: Uncertain significance for Hereditary cancer-predisposing syndrome. Last evaluated: 2024-06-05. Review status: criteria provided, single submitter. Criteria: Ambry Variant Classification Scheme 2023. Collection method: clinical testing. Allele origin: germline.
Comment: The p.E782Q variant (also known as c.2344G>C), located in coding exon 14 of the RAD50 gene, results from a G to C substitution at nucleotide position 2344. The glutamic acid at codon 782 is replaced by glutamine, an amino acid with highly similar properties. This amino acid position is highly conserved in available vertebrate species. In addition, the in silico prediction for this alteration is inconclusive. Since supporting evidence is limited at this time, the clinical significance of this alteration remains unclear.

Baylor Genetics
Classification: Uncertain significance for Nijmegen breakage syndrome-like disorder. Last evaluated: 2023-12-27. Review status: criteria provided, single submitter. Criteria: ACMG Guidelines, 2015. Collection method: clinical testing. Allele origin: unknown.

Labcorp Genetics (formerly Invitae), Labcorp
Classification: Uncertain significance for Hereditary cancer-predisposing syndrome. Last evaluated: 2023-07-25. Review status: criteria provided, single submitter. Criteria: Invitae Variant Classification Sherloc (09022015). Collection method: clinical testing. Allele origin: germline.
Comment: In summary, the available evidence is currently insufficient to determine the role of this variant in disease. Therefore, it has been classified as a Variant of Uncertain Significance. Advanced modeling of protein sequence and biophysical properties (such as structural, functional, and spatial information, amino acid conservation, physicochemical variation, residue mobility, and thermodynamic stability) has been performed at Invitae for this missense variant, however the output from this modeling did not meet the statistical confidence thresholds required to predict the impact of this variant on RAD50 protein function. ClinVar contains an entry for this variant (Variation ID: 484671). This variant has not been reported in the literature in individuals affected with RAD50-related conditions. This variant is not present in population databases (gnomAD no frequency). This sequence change replaces glutamic acid, which is acidic and polar, with glutamine, which is neutral and polar, at codon 782 of the RAD50 protein (p.Glu782Gln).